The following is an entry in ClinVar:

NM_024675.3(PALB2):c.3114-?_3201+?dup88

Gene: PALB2 (partner and localizer of BRCA2; minus strand). Cytogenetic location: 16p12.2.
Variant type: Duplication.
Coding change: c.3114-?_3201+?dup88 on transcript NM_024675.3.
Other names: c.3114-?_3201+?dup (LRG_308t1).
Identifiers: ClinVar variation 216008 (VCV000216008.2).

ClinVar aggregate classification (germline): Likely pathogenic (1 of 4 stars; one submission).

Conditions:
Familial cancer of breast. Also called: Hereditary breast cancer; BREAST CANCER, FAMILIAL; hereditary breast carcinoma. Identifiers: Orphanet 227535, MedGen C0346153, MONDO:0016419, OMIM 114480. Disease mechanism: loss of function.

Submission:

Labcorp Genetics (formerly Invitae), Labcorp
Classification: Likely pathogenic for Familial cancer of breast. Last evaluated: 2016-12-20. Review status: criteria provided, single submitter. Criteria: Invitae Variant Classification Sherloc (09022015). Collection method: clinical testing. Allele origin: germline.
Comment: This variant is a gross duplication of the genomic region encompassing exon 11 of the PALB2 gene. The duplicated copy of this region is likely in tandem and may result in an absent or disrupted protein product. While this particular duplication has not been reported in the literature, loss-of-function variants, including gross duplications, in PALB2 are known to be pathogenic (PMID: 25099575, 17200668, 24136930). In summary, this is a rare single exon duplication that is predicted to lead to an absent or disrupted protein product. For these reasons, it has been classified as Likely Pathogenic.